The following is an entry in ClinVar:

NM_000350.3(ABCA4):c.5024C>T (p.Thr1675Ile)

Gene: ABCA4 (ATP binding cassette subfamily A member 4; minus strand). Cytogenetic location: 1p22.1.
Variant type: single nucleotide variant.
Coding change: c.5024C>T on transcript NM_000350.3 (MANE Select); coding-DNA position 5024, C replaced by T.
Protein change: p.Thr1675Ile; replaces threonine 1675 with isoleucine.
Molecular consequence: missense variant.
Genome position (GRCh38, 1-based): chr1:94,019,754, G>A on the plus strand (C>T on the coding strand, the complement: ABCA4 is on the minus strand). VCF-style: chr1-94019754-G-A. GRCh37 (hg19) VCF-style: chr1-94485310-G-A.
Other names: c.4802C>T, p.Thr1601Ile (NM_001425324.1); short protein forms T1675I, T1601I.
Identifiers: ClinVar variation 1431776 (VCV001431776.6), dbSNP rs375156009, ClinGen allele CA957389.

ClinVar aggregate classification (germline): Uncertain significance (1 of 4 stars; one submission).

Allele frequency attached by ClinVar (database versions not stated): ESP Exome Variant Server 0.00008.
gnomAD v4.1: 14 of 1,612,078 alleles (0.00087%); highest among the groups gnomAD compares: Non-Finnish European, 0.0012%; no homozygotes.

Submission:

Labcorp Genetics (formerly Invitae), Labcorp
Classification: Uncertain significance. Last evaluated: 2021-10-13. Review status: criteria provided, single submitter. Criteria: Invitae Variant Classification Sherloc (09022015). Collection method: clinical testing. Allele origin: germline.
Comment: In summary, the available evidence is currently insufficient to determine the role of this variant in disease. Therefore, it has been classified as a Variant of Uncertain Significance. Advanced modeling of protein sequence and biophysical properties (such as structural, functional, and spatial information, amino acid conservation, physicochemical variation, residue mobility, and thermodynamic stability) performed at Invitae indicates that this missense variant is expected to disrupt ABCA4 protein function. This variant has not been reported in the literature in individuals affected with ABCA4-related conditions. This variant is present in population databases (rs375156009, ExAC 0.002%). This sequence change replaces threonine with isoleucine at codon 1675 of the ABCA4 protein (p.Thr1675Ile). The threonine residue is highly conserved and there is a moderate physicochemical difference between threonine and isoleucine.